The following is an entry in ClinVar:

NM_001267550.2(TTN):c.4270C>T (p.Pro1424Ser)

Genes: TTN (titin; minus strand), LOC101927055 (uncharacterized LOC101927055; plus strand). Cytogenetic location: 2q31.2.
Variant type: single nucleotide variant.
Coding change: c.4270C>T on transcript NM_001267550.2 (MANE Select); coding-DNA position 4270, C replaced by T.
Protein change: p.Pro1424Ser; replaces proline 1424 with serine.
Molecular consequence: missense variant. On other transcripts: non-coding transcript variant (1).
Genome position (GRCh38, 1-based): chr2:178,777,914, G>A on the plus strand (C>T on the coding strand, the complement: TTN is on the minus strand). VCF-style: chr2-178777914-G-A. GRCh37 (hg19) VCF-style: chr2-179642641-G-A.
Other names: p.P1424S:CCT>TCT; c.4270C>T, p.Pro1424Ser (NM_001256850.1, NM_133378.4, NM_133379.5); c.4132C>T, p.Pro1378Ser (NM_003319.4, NM_133432.3, NM_133437.4); short protein forms P1424S, P1378S.
Identifiers: ClinVar variation 203128 (VCV000203128.13), dbSNP rs772479207, ClinGen allele CA311344.

ClinVar aggregate classification (germline): Conflicting classifications of pathogenicity. Review status: criteria provided, conflicting classifications (1 of 4 stars). 6 submissions from 6 submitters: Uncertain significance (3); Likely benign (3). Last evaluated 2025-04-09.

Conditions:
TTN-related disorder. Also called: TTN-related condition; TTN-related disease; TTN-related disorders.
Early-onset myopathy with fatal cardiomyopathy (CMYO5). Also called: Salih Myopathy; CONGENITAL MYOPATHY 5 WITH CARDIOMYOPATHY. Identifiers: Orphanet 289377, MedGen C2673677, MONDO:0012714, OMIM 611705. Disease mechanism: loss of function.
Dilated cardiomyopathy 1G (CMD1G). Identifiers: Orphanet 154, MedGen C1858763, MONDO:0011400, OMIM 604145.
Autosomal recessive limb-girdle muscular dystrophy type 2J (LGMDR10). Also called: Limb-girdle muscular dystrophy, type 2J; MUSCULAR DYSTROPHY, LIMB-GIRDLE, AUTOSOMAL RECESSIVE 10. Identifiers: Orphanet 140922, MedGen C1837342, MONDO:0012127, OMIM 608807.
Tibial muscular dystrophy (TMD). Also called: Tibial muscular dystrophy, tardive; Udd Distal Myopathy – Tibial Muscular Dystrophy; UDD MYOPATHY. Identifiers: Orphanet 609, MedGen C1838244, MONDO:0010870, OMIM 600334.
Myopathy, myofibrillar, 9, with early respiratory failure (MFM9). Also called: Myopathy, distal, with early respiratory failure, autosomal dominant; MYOPATHY, PROXIMAL, WITH EARLY RESPIRATORY MUSCLE INVOLVEMENT; Hereditary myopathy with early respiratory failure; EDSTROM MYOPATHY. Identifiers: Orphanet 178464, Orphanet 34521, MedGen C1863599, MONDO:0011362, OMIM 603689.
Hypertrophic cardiomyopathy 9. Also called: Familial hypertrophic cardiomyopathy 9. Identifiers: MedGen C1861065, MONDO:0013412, OMIM 613765.

Allele frequency attached by ClinVar (database versions not stated): TOPMed 0.00001; ExAC 0.00004.
gnomAD v4.1: 40 of 1,613,798 alleles (0.0025%); highest among the groups gnomAD compares: Admixed American, 0.012%; no homozygotes.

Submissions (6):

Molecular Diagnostic Laboratory for Inherited Cardiovascular Disease, Montreal Heart Institute
Classification: Likely benign. Last evaluated: 2025-04-09. Review status: criteria provided, single submitter. Criteria: ACMG Guidelines, 2015. Collection method: clinical testing. Allele origin: germline. Affected: no.

PreventionGenetics, part of Exact Sciences
Classification: Uncertain significance for TTN-related condition. Last evaluated: 2024-11-09. Review status: criteria provided, single submitter. Criteria: ACMG Guidelines, 2015. Collection method: clinical testing. Allele origin: germline.
Comment: The TTN c.4270C>T variant is predicted to result in the amino acid substitution p.Pro1424Ser. To our knowledge, this variant has not been reported in the literature. This variant is reported in 0.017% of alleles in individuals of Latino descent in gnomAD. At this time, the clinical significance of this variant is uncertain due to the absence of conclusive functional and genetic evidence.

Blueprint Genetics
Classification: Likely benign. Last evaluated: 2022-12-02. Review status: criteria provided, single submitter. Criteria: ACMG Guidelines, 2015. Collection method: clinical testing. Allele origin: germline.

GeneDx
Classification: Likely benign. Last evaluated: 2020-09-17. Review status: criteria provided, single submitter. Criteria: GeneDx Variant Classification Process June 2021. Collection method: clinical testing. Allele origin: germline. Affected: yes.

Mayo Clinic Laboratories, Mayo Clinic
Classification: Uncertain significance. Last evaluated: 2019-12-03. Review status: criteria provided, single submitter. Criteria: ACMG Guidelines, 2015. Collection method: clinical testing. Allele origin: germline. Observed: 1 variant allele.

Fulgent Genetics
Classification: Uncertain significance for Tibial muscular dystrophy; Myopathy, myofibrillar, 9, with early respiratory failure; Dilated cardiomyopathy 1G; Autosomal recessive limb-girdle muscular dystrophy type 2J; Early-onset myopathy with fatal cardiomyopathy; Hypertrophic cardiomyopathy 9. Last evaluated: 2018-10-31. Review status: criteria provided, single submitter. Criteria: ACMG Guidelines, 2015. Collection method: clinical testing. Allele origin: unknown.